The following is an entry in ClinVar:

NM_000404.4(GLB1):c.785G>A (p.Gly262Glu)

Gene: GLB1 (galactosidase beta 1; minus strand). Cytogenetic location: 3p22.3.
Variant type: single nucleotide variant.
Coding change: c.785G>A on transcript NM_000404.4 (MANE Select); coding-DNA position 785, G replaced by A.
Protein change: p.Gly262Glu; replaces glycine 262 with glutamic acid.
Molecular consequence: missense variant.
Genome position (GRCh38, 1-based): chr3:33,053,498, C>T on the plus strand (G>A on the coding strand, the complement: GLB1 is on the minus strand). VCF-style: chr3-33053498-C-T. GRCh37 (hg19) VCF-style: chr3-33094990-C-T.
Other names: c.695G>A, p.Gly232Glu (NM_001079811.3); c.392G>A, p.Gly131Glu (NM_001135602.3); c.929G>A, p.Gly310Glu (NM_001317040.2); c.785G>A, p.Gly262Glu (NM_001393580.1); c.785G>A (NM_000404.3); short protein forms G131E, G262E, G232E, G310E.
Identifiers: ClinVar variation 2203326 (VCV002203326.6), dbSNP rs377174858, ClinGen allele CA2299600.

ClinVar aggregate classification (germline): Pathogenic/Likely pathogenic. Review status: criteria provided, multiple submitters, no conflicts (2 of 4 stars). 3 submissions from 3 submitters: Pathogenic (1); Likely pathogenic (2). Last evaluated 2026-01-29.

Conditions:
Mucopolysaccharidosis, MPS-IV-B (MPS4B). Also called: Mucopolysaccharidosis type IV B; Mucopolysaccharidosis Type IVB; Mucopolysaccharidosis type IVB (Morquio); MPS IVB; MORQUIO SYNDROME B; Mucopolysaccharidosis Type IVB (Morquio B Disease). Identifiers: Orphanet 309310, Orphanet 582, MedGen C0086652, MONDO:0009660, OMIM 253010.
GM1 gangliosidosis. Identifiers: Orphanet 354, MedGen C0085131, MONDO:0018149.

Allele frequency attached by ClinVar (database versions not stated): gnomAD exomes below 0.00001; 1000 Genomes Project 0.00020; 1000 Genomes Project 30x 0.00031.
gnomAD v4.1: 8 of 1,614,178 alleles (0.0005%); highest among the groups gnomAD compares: South Asian, 0.0088%; no homozygotes.

Submissions (3):

Natera, Inc.
Classification: Likely pathogenic for Mucopolysaccharidosis, MPS-IV-B. Last evaluated: 2026-01-29. Review status: criteria provided, single submitter. Criteria: Natera Variant Classification Schema (03/2026). Collection method: clinical testing. Allele origin: germline.
Comment: The c.785G>A variant in GLB1 is a missense variant predicted to cause substitution of glycine to glutamic acid at amino acid 262. This variant is rare in the general population with a frequency below the threshold expected for the associated phenotype(s). This variant has been observed in one or more individuals affected with the associated recessive disease, as either homozygous or compound heterozygous with a second variant (PMID: 25936995). A different variant at the same position has been determined to be Pathogenic or Likely Pathogenic. Computational prediction algorithms indicate this variant is likely to affect gene or protein function. Given the available evidence, this variant is classified as Likely Pathogenic.

Women's Health and Genetics/Laboratory Corporation of America, LabCorp
Classification: Likely pathogenic for GM1 gangliosidosis. Last evaluated: 2024-12-18. Review status: criteria provided, single submitter. Criteria: LabCorp Variant Classification Summary - May 2015. Collection method: clinical testing. Allele origin: germline.
Comment: Variant summary: GLB1 c.785G>A (p.Gly262Glu) results in a non-conservative amino acid change located in the Glycoside hydrolase 35, catalytic domain (IPR031330) of the encoded protein sequence. Five of five in-silico tools predict a damaging effect of the variant on protein function. The variant allele was found at a frequency of 1.6e-05 in 249528 control chromosomes. c.785G>A has been reported in the literature in individuals affected with GM1 Gangliosidosis (e.g. Bidchol_2015, D'Souza_2024). Additionally, galactosidase enzyme activity in a homozygous patient was approximately 3% of normal activity, indicating that the variant has a deterimental impact on protein function (Bidchol_2015). These data indicate that the variant is likely associated with disease. The following publications have been ascertained in the context of this evaluation (PMID: 25936995, 38313286). ClinVar contains an entry for this variant (Variation ID: 2203326). Based on the evidence outlined above, the variant was classified as likely pathogenic.

Labcorp Genetics (formerly Invitae), Labcorp
Classification: Pathogenic for Mucopolysaccharidosis, MPS-IV-B; GM1 gangliosidosis. Last evaluated: 2023-06-04. Review status: criteria provided, single submitter. Criteria: Invitae Variant Classification Sherloc (09022015). Collection method: clinical testing. Allele origin: germline.
Comment: For these reasons, this variant has been classified as Pathogenic. Advanced modeling of protein sequence and biophysical properties (such as structural, functional, and spatial information, amino acid conservation, physicochemical variation, residue mobility, and thermodynamic stability) performed at Invitae indicates that this missense variant is expected to disrupt GLB1 protein function. ClinVar contains an entry for this variant (Variation ID: 2203326). This missense change has been observed in individual(s) with GM1 gangliosidosis (PMID: 25936995). This variant is present in population databases (rs377174858, gnomAD 0.01%). This sequence change replaces glycine, which is neutral and non-polar, with glutamic acid, which is acidic and polar, at codon 262 of the GLB1 protein (p.Gly262Glu).

Literature cited by the submitters: PubMed 25936995 (cited by 3 submitters); PubMed 38313286 (cited by Women's Health and Genetics/Laboratory Corporation of America, LabCorp).